The following is an entry in ClinVar:

ClinVar aggregate classification (germline): Uncertain significance. Review status: criteria provided, multiple submitters, no conflicts (2 of 4 stars). 2 submissions from 2 submitters: Uncertain significance (2). Last evaluated 2024-08-07.

gnomAD v4.1: 1 of 1,614,058 alleles (0.000062%); highest among the groups gnomAD compares: Non-Finnish European, 0.000085%; no homozygotes.

Submissions (2):

Women's Health and Genetics/Laboratory Corporation of America, LabCorp
Classification: Uncertain significance. Last evaluated: 2024-08-07. Review status: criteria provided, single submitter. Criteria: LabCorp Variant Classification Summary - May 2015. Collection method: clinical testing. Allele origin: germline.
Comment: Variant summary: KMT2C c.6391T>A (p.Tyr2131Asn) results in a non-conservative amino acid change in the encoded protein sequence. Four of five in-silico tools predict a damaging effect of the variant on protein function. The variant was absent in 251226 control chromosomes. The available data on variant occurrences in the general population are insufficient to allow any conclusion about variant significance. To our knowledge, no occurrence of c.6391T>A in individuals affected with Kleefstra Syndrome 2 and no experimental evidence demonstrating its impact on protein function have been reported. No submitters have cited clinical-significance assessments for this variant to ClinVar. Based on the evidence outlined above, the variant was classified as uncertain significance.

Blueprint Genetics
Classification: Uncertain significance. Last evaluated: 2022-02-28. Review status: criteria provided, single submitter. Criteria: ACMG Guidelines, 2015. Collection method: clinical testing. Allele origin: germline.

NM_170606.3(KMT2C):c.6391T>A (p.Tyr2131Asn)

Gene: KMT2C (lysine methyltransferase 2C; minus strand). Cytogenetic location: 7q36.1.
Variant type: single nucleotide variant.
Coding change: c.6391T>A on transcript NM_170606.3 (MANE Select); coding-DNA position 6391, T replaced by A.
Protein change: p.Tyr2131Asn; replaces tyrosine 2131 with asparagine.
Molecular consequence: missense variant.
Genome position (GRCh38, 1-based): chr7:152,181,469, A>T on the plus strand (T>A on the coding strand, the complement: KMT2C is on the minus strand). VCF-style: chr7-152181469-A-T. GRCh37 (hg19) VCF-style: chr7-151878554-A-T.
Other names: short protein forms Y2131N.
Identifiers: ClinVar variation 3366433 (VCV003366433.2).